The following is an entry in ClinVar:

ClinVar aggregate classification (germline): Uncertain significance (1 of 4 stars; one submission).

Conditions:
Cardiovascular phenotype. Identifiers: MedGen CN230736.

Submission:

Ambry Genetics
Classification: Uncertain significance for Cardiovascular phenotype. Last evaluated: 2019-09-03. Review status: criteria provided, single submitter. Criteria: Ambry Variant Classification Scheme 2023. Collection method: clinical testing. Allele origin: germline.
Comment: The c.64076-5T>C intronic variant results from a T to C substitution 5 nucleotides upstream from coding exon 163 in the TTN gene. This nucleotide position is well conserved in available vertebrate species. Using the BDGP and ESEfinder splice site prediction tools, this alteration is not predicted to have a significant effect on this splice acceptor site; however, direct evidence is unavailable. Since supporting evidence is limited at this time, the clinical significance of this alteration remains unclear.

NM_001267550.2(TTN):c.91271-5T>C

Genes: TTN (titin; minus strand), TTN-AS1 (TTN antisense RNA 1; plus strand). Cytogenetic location: 2q31.2.
Variant type: single nucleotide variant.
Coding change: c.91271-5T>C on transcript NM_001267550.2 (MANE Select); 5 bases into the intron before coding-DNA position 91271, T replaced by C.
Molecular consequence: intron variant.
Genome position (GRCh38, 1-based): chr2:178,551,265, A>G on the plus strand (T>C on the coding strand, the complement: TTN is on the minus strand). VCF-style: chr2-178551265-A-G. GRCh37 (hg19) VCF-style: chr2-179415992-A-G.
Other names: c.64076-5T>C (NM_003319.4); c.64652-5T>C (NM_133437.4); c.64451-5T>C (NM_133432.3); c.83567-5T>C (NM_133378.4); c.86348-5T>C (NM_001256850.1).
Identifiers: ClinVar variation 1753357 (VCV001753357.2), dbSNP rs2469242441, ClinGen allele CA2580064763.